The following is an entry in ClinVar:

ClinVar aggregate classification (germline): Conflicting classifications of pathogenicity. Review status: criteria provided, conflicting classifications (1 of 4 stars). 2 submissions from 2 submitters: Uncertain significance (1); Likely benign (1). Last evaluated 2025-12-19.

Conditions:
Ataxia-telangiectasia syndrome (AT). Also called: LOUIS-BAR SYNDROME; Cerebello-oculocutaneous telangiectasia; Immunodeficiency with ataxia telangiectasia; AT, COMPLEMENTATION GROUP C; Ataxia-telangiectasia, complementation group D; ATAXIA-TELANGIECTASIA, COMPLEMENTATION GROUP A. Identifiers: Orphanet 100, MedGen C0004135, MONDO:0008840, OMIM 208900.
Familial cancer of breast. Also called: BREAST CANCER, FAMILIAL; hereditary breast carcinoma; Hereditary breast cancer. Identifiers: Orphanet 227535, MedGen C0346153, MONDO:0016419, OMIM 114480. Disease mechanism: loss of function.

Submissions (2):

Labcorp Genetics (formerly Invitae), Labcorp
Classification: Uncertain significance for Ataxia-telangiectasia syndrome. Last evaluated: 2025-12-19. Review status: criteria provided, single submitter. Criteria: Invitae Variant Classification Sherloc (09022015). Collection method: clinical testing. Allele origin: germline.
Comment: This sequence change falls in intron 33 of the ATM gene. It does not directly change the encoded amino acid sequence of the ATM protein. This variant is not present in population databases (gnomAD no frequency). This variant has not been reported in the literature in individuals affected with ATM-related conditions. ClinVar contains an entry for this variant (Variation ID: 3254070). Algorithms developed to predict the effect of sequence changes on RNA splicing suggest that this variant may disrupt the consensus splice site. In summary, the available evidence is currently insufficient to determine the role of this variant in disease. Therefore, it has been classified as a Variant of Uncertain Significance.

Myriad Genetics, Inc.
Classification: Likely benign for Familial cancer of breast. Last evaluated: 2024-05-21. Review status: criteria provided, single submitter. Criteria: Myriad Autosomal Dominant, Autosomal Recessive and X-Linked Classification Criteria (2023). Collection method: clinical testing. Allele origin: unknown.
Comment: This variant is considered likely benign. This variant is intronic and is not expected to impact mRNA splicing.

NM_000051.4(ATM):c.5006-13T>C

Gene: ATM (ATM serine/threonine kinase; plus strand). Cytogenetic location: 11q22.3.
Variant type: single nucleotide variant.
Coding change: c.5006-13T>C on transcript NM_000051.4 (MANE Select); 13 bases into the intron before coding-DNA position 5006, T replaced by C.
Molecular consequence: intron variant.
Genome position (GRCh38, 1-based): chr11:108,299,701, T>C. VCF-style: chr11-108299701-T-C. GRCh37 (hg19) VCF-style: chr11-108170428-T-C.
Other names: c.5006-13T>C (NM_001351834.2).
Identifiers: ClinVar variation 3254070 (VCV003254070.2), dbSNP rs776312790.
Genomic context (GRCh38, chr11:108,299,701, plus strand): 5'-GAAATTAGAAAATTTCAGTTTTATGTATGATCTCTTACCTATGACTCTACTGAAATAGAA[T>C]TTCTATATGTAGAGGCTGTTGGAAGCTGCTTGGGAGAAGTGGGTCCTATAGATTTCTCTA-3'